The following is an entry in ClinVar:

ClinVar aggregate classification (germline): Uncertain significance (1 of 4 stars; one submission).

Submission:

Labcorp Genetics (formerly Invitae), Labcorp
Classification: Uncertain significance. Last evaluated: 2022-04-09. Review status: criteria provided, single submitter. Criteria: Invitae Variant Classification Sherloc (09022015). Collection method: clinical testing. Allele origin: germline.
Comment: This sequence change affects codon 326 of the GATAD2B mRNA. It is a 'silent' change, meaning that it does not change the encoded amino acid sequence of the GATAD2B protein. This variant is not present in population databases (gnomAD no frequency). This variant has not been reported in the literature in individuals affected with GATAD2B-related conditions. Algorithms developed to predict the effect of sequence changes on RNA splicing suggest that this variant may disrupt the consensus splice site. In summary, the available evidence is currently insufficient to determine the role of this variant in disease. Therefore, it has been classified as a Variant of Uncertain Significance.

NM_020699.4(GATAD2B):c.978A>G (p.Pro326=)

Gene: GATAD2B (GATA zinc finger domain containing 2B; minus strand). Cytogenetic location: 1q21.3.
Variant type: single nucleotide variant.
Coding change: c.978A>G on transcript NM_020699.4 (MANE Select); coding-DNA position 978, A replaced by G.
Protein change: p.Pro326=; no amino-acid change (proline 326 retained).
Molecular consequence: synonymous variant.
Genome position (GRCh38, 1-based): chr1:153,816,511, T>C on the plus strand (A>G on the coding strand, the complement: GATAD2B is on the minus strand). VCF-style: chr1-153816511-T-C. GRCh37 (hg19) VCF-style: chr1-153788987-T-C.
Identifiers: ClinVar variation 2123518 (VCV002123518.4), dbSNP rs2525248319, ClinGen allele CA420946189.
Genomic context (GRCh38, chr1:153,816,511, plus strand): 5'-GGCAGCATCAGTCATGGCGCTGGGGCTAGGAAGTGGCGAGGACACTCTGTTCACCGTCCC[T>C]GGCTGGATATGAGAAGCAAGGTTCATATAGATGGCAGAGGATGTTGTACGCTGACATGGA-3'
Protein context (NP_065750.1, residues 316-336): IYMNLASHIQ[Pro326=]GTVNRVSSPL